The following is an entry in ClinVar:

ClinVar aggregate classification (germline): Likely benign. Review status: criteria provided, multiple submitters, no conflicts (2 of 4 stars). 2 submissions from 2 submitters: Likely benign (2). Last evaluated 2022-01-04.

Conditions:
Mowat-Wilson syndrome (MOWS). Also called: Classic Mowat-Wilson Syndrome. Identifiers: Orphanet 2152, MedGen C1856113, MONDO:0009341, OMIM 235730.

Allele frequency attached by ClinVar (database versions not stated): gnomAD exomes below 0.00001 and 0.00001; ExAC 0.00001; TOPMed 0.00001; gnomAD 0.00006.
gnomAD v4.1: 4 of 1,614,146 alleles (0.00025%); highest among the groups gnomAD compares: Non-Finnish European, 0.00034%; no homozygotes.

Submissions (2):

Labcorp Genetics (formerly Invitae), Labcorp
Classification: Likely benign for Mowat-Wilson syndrome. Last evaluated: 2022-01-04. Review status: criteria provided, single submitter. Criteria: Invitae Variant Classification Sherloc (09022015). Collection method: clinical testing. Allele origin: germline.

GeneDx
Classification: Likely benign. Last evaluated: 2016-03-06. Review status: criteria provided, single submitter. Criteria: GeneDx Variant Classification (06012015). Collection method: clinical testing. Allele origin: germline. Affected: yes.
Comment: This variant is considered likely benign or benign based on one or more of the following criteria: it is a conservative change, it occurs at a poorly conserved position in the protein, it is predicted to be benign by multiple in silico algorithms, and/or has population frequency not consistent with disease.

NM_014795.4(ZEB2):c.1953A>G (p.Pro651=)

Gene: ZEB2 (zinc finger E-box binding homeobox 2; minus strand). Cytogenetic location: 2q22.3.
Variant type: single nucleotide variant.
Coding change: c.1953A>G on transcript NM_014795.4 (MANE Select); coding-DNA position 1953, A replaced by G.
Protein change: p.Pro651=; no amino-acid change (proline 651 retained).
Molecular consequence: synonymous variant.
Genome position (GRCh38, 1-based): chr2:144,399,234, T>C on the plus strand (A>G on the coding strand, the complement: ZEB2 is on the minus strand). VCF-style: chr2-144399234-T-C. GRCh37 (hg19) VCF-style: chr2-145156801-T-C.
Other names: c.1881A>G, p.Pro627= (NM_001171653.2).
Identifiers: ClinVar variation 384077 (VCV000384077.5), dbSNP rs779951735, ClinGen allele CA1898291.
Genomic context (GRCh38, chr2:144,399,234, plus strand): 5'-GGAGTTGGGCTCCATGTTCATAGCATAGTATGCTTTGAGTACAGACATGTGGTCCTTGTA[T>C]GGGTTGATGGGGCTTGTCATTCCTTTCTCAGAAAGTACAGATGACAAGAGGAGGGCTTTA-3'
Protein context (NP_055610.1, residues 641-661): SEKGMTSPIN[Pro651=]YKDHMSVLKA